The following is an entry in ClinVar:

NM_001035.3(RYR2):c.3089C>T (p.Pro1030Leu)

Gene: RYR2 (ryanodine receptor 2; plus strand). Cytogenetic location: 1q43.
Variant type: single nucleotide variant.
Coding change: c.3089C>T on transcript NM_001035.3 (MANE Select); coding-DNA position 3089, C replaced by T.
Protein change: p.Pro1030Leu; replaces proline 1030 with leucine.
Molecular consequence: missense variant.
Genome position (GRCh38, 1-based): chr1:237,550,566, C>T. VCF-style: chr1-237550566-C-T. GRCh37 (hg19) VCF-style: chr1-237713866-C-T.
Other names: c.3089C>T, p.Pro1030Leu (LRG_402t1); short protein forms P1030L.
Identifiers: ClinVar variation 646519 (VCV000646519.11), dbSNP rs1404965456, ClinGen allele CA345394532.

ClinVar aggregate classification (germline): Uncertain significance. Review status: criteria provided, multiple submitters, no conflicts (2 of 4 stars). 4 submissions from 4 submitters: Uncertain significance (4). Last evaluated 2025-04-09.

Conditions:
Arrhythmogenic right ventricular dysplasia 2. Identifiers: MedGen C1832931.
Ventricular arrhythmias due to cardiac ryanodine receptor calcium release deficiency syndrome. Also called: Autosomal dominant cardiac arrhythmia (Kuhn). Identifiers: MedGen C5542154, MONDO:0020745, OMIM 115000.
Catecholaminergic polymorphic ventricular tachycardia 1. Also called: RYR2-Related Catecholaminergic Polymorphic Ventricular Tachycardia; VENTRICULAR TACHYCARDIA, STRESS-INDUCED POLYMORPHIC 1; VENTRICULAR TACHYCARDIA, CATECHOLAMINERGIC POLYMORPHIC, 1, WITH OR WITHOUT ATRIAL DYSFUNCTION AND/OR DILATED CARDIOMYOPATHY. Identifiers: Orphanet 3286, MedGen C1631597, MONDO:0011484, OMIM 604772.
Cardiovascular phenotype. Identifiers: MedGen CN230736.
Cardiomyopathy (CMYO). Also called: Cardiomyopathies. Identifiers: Orphanet 167848, MedGen C0878544, MONDO:0004994, HP:0001638. Inheritance: Various modes of inheritance.

Allele frequency attached by ClinVar (database versions not stated): TOPMed below 0.00001; gnomAD 0.00001; gnomAD exomes 0.00003.
gnomAD v4.1: 46 of 1,609,396 alleles (0.0029%); highest among the groups gnomAD compares: Non-Finnish European, 0.0037%; no homozygotes.

Submissions (4):

Ambry Genetics
Classification: Uncertain significance for Cardiovascular phenotype. Last evaluated: 2025-04-09. Review status: criteria provided, single submitter. Criteria: Ambry Variant Classification Scheme 2023. Collection method: clinical testing. Allele origin: germline.
Comment: The p.P1030L variant (also known as c.3089C>T), located in coding exon 27 of the RYR2 gene, results from a C to T substitution at nucleotide position 3089. The proline at codon 1030 is replaced by leucine, an amino acid with similar properties. This amino acid position is highly conserved in available vertebrate species. In addition, this alteration is predicted to be deleterious by in silico analysis. Since supporting evidence is limited at this time, the clinical significance of this alteration remains unclear.

Color Diagnostics, LLC DBA Color Health
Classification: Uncertain significance for Cardiomyopathy. Last evaluated: 2024-01-03. Review status: criteria provided, single submitter. Criteria: ACMG Guidelines, 2015. Collection method: clinical testing. Allele origin: germline.
Comment: This missense variant replaces proline with leucine at codon 1030 of the RYR2 protein. Computational prediction tools indicate that this variant has a deleterious impact on protein structure and function. To our knowledge, functional studies have not been reported for this variant. This variant has not been reported in individuals affected with RYR2-related disorders in the literature. This variant has not been identified in the general population by the Genome Aggregation Database (gnomAD). The available evidence is insufficient to determine the role of this variant in disease conclusively. Therefore, this variant is classified as a Variant of Uncertain Significance.

Labcorp Genetics (formerly Invitae), Labcorp
Classification: Uncertain significance for Catecholaminergic polymorphic ventricular tachycardia 1. Last evaluated: 2023-11-19. Review status: criteria provided, single submitter. Criteria: Invitae Variant Classification Sherloc (09022015). Collection method: clinical testing. Allele origin: germline.
Comment: This sequence change replaces proline, which is neutral and non-polar, with leucine, which is neutral and non-polar, at codon 1030 of the RYR2 protein (p.Pro1030Leu). This variant is not present in population databases (gnomAD no frequency). This variant has not been reported in the literature in individuals affected with RYR2-related conditions. ClinVar contains an entry for this variant (Variation ID: 646519). Advanced modeling of protein sequence and biophysical properties (such as structural, functional, and spatial information, amino acid conservation, physicochemical variation, residue mobility, and thermodynamic stability) performed at Invitae indicates that this missense variant is expected to disrupt RYR2 protein function with a positive predictive value of 95%. In summary, the available evidence is currently insufficient to determine the role of this variant in disease. Therefore, it has been classified as a Variant of Uncertain Significance.

Fulgent Genetics
Classification: Uncertain significance for Ventricular arrhythmias due to cardiac ryanodine receptor calcium release deficiency syndrome; Catecholaminergic polymorphic ventricular tachycardia 1. Last evaluated: 2021-10-19. Review status: criteria provided, single submitter. Criteria: ACMG Guidelines, 2015. Collection method: clinical testing. Allele origin: unknown.